The following is an entry in ClinVar:

ClinVar aggregate classification (germline): Uncertain significance (1 of 4 stars; one submission).

Allele frequency attached by ClinVar (database versions not stated): TOPMed below 0.00001; gnomAD exomes 0.00001.
gnomAD v4.1: 8 of 1,613,952 alleles (0.0005%); highest among the groups gnomAD compares: South Asian, 0.0055%; no homozygotes.

Submission:

Labcorp Genetics (formerly Invitae), Labcorp
Classification: Uncertain significance. Last evaluated: 2025-02-19. Review status: criteria provided, single submitter. Criteria: Invitae Variant Classification Sherloc (09022015). Collection method: clinical testing. Allele origin: germline.
Comment: This sequence change replaces serine, which is neutral and polar, with alanine, which is neutral and non-polar, at codon 1663 of the RAI1 protein (p.Ser1663Ala). This variant is not present in population databases (gnomAD no frequency). This variant has not been reported in the literature in individuals affected with RAI1-related conditions. ClinVar contains an entry for this variant (Variation ID: 1359464). Invitae Evidence Modeling of protein sequence and biophysical properties (such as structural, functional, and spatial information, amino acid conservation, physicochemical variation, residue mobility, and thermodynamic stability) indicates that this missense variant is not expected to disrupt RAI1 protein function with a negative predictive value of 80%. In summary, the available evidence is currently insufficient to determine the role of this variant in disease. Therefore, it has been classified as a Variant of Uncertain Significance.

NM_030665.4(RAI1):c.4987T>G (p.Ser1663Ala)

Gene: RAI1 (retinoic acid induced 1; plus strand). Cytogenetic location: 17p11.2.
Variant type: single nucleotide variant.
Coding change: c.4987T>G on transcript NM_030665.4 (MANE Select); coding-DNA position 4987, T replaced by G.
Protein change: p.Ser1663Ala; replaces serine 1663 with alanine.
Molecular consequence: missense variant.
Genome position (GRCh38, 1-based): chr17:17,797,935, T>G. VCF-style: chr17-17797935-T-G. GRCh37 (hg19) VCF-style: chr17-17701249-T-G.
Other names: short protein forms S1663A.
Identifiers: ClinVar variation 1359464 (VCV001359464.8), dbSNP rs2032325547, ClinGen allele CA398558087.
Genomic context (GRCh38, chr17:17,797,935, plus strand): 5'-GATGCAGCCGGGGCCTCCCTGGCCACACTCCCTGGAGGCTCCATCCTGCAGCCGCGGCCC[T>G]CCTTGCCCCTCTCCTCCACGATGCACTTGGGGCCTGTGGTTTCCAAGGCCCTGAGTACCT-3'
Protein context (NP_109590.3, residues 1653-1673): PGGSILQPRP[Ser1663Ala]LPLSSTMHLG